The following is an entry in ClinVar:

NM_001613.4(ACTA2):c.325del (p.Glu109fs)

Gene: ACTA2 (actin alpha 2, smooth muscle; minus strand). Cytogenetic location: 10q23.31.
Variant type: Deletion.
Coding change: c.325del on transcript NM_001613.4 (MANE Select); coding-DNA position 325, one base deleted (G; older notation c.325delG).
Protein change: p.Glu109fs; shifts the reading frame from glutamic acid 109.
Molecular consequence: frameshift variant.
Genome position (GRCh38, 1-based): chr10:88,943,841, C deleted on the plus strand (G on the coding strand, the reverse complement: ACTA2 is on the minus strand); the first of 2 consecutive C bases (chr10:88,943,841-88,943,842); deleting either gives the same sequence. VCF-style (leftmost placement, unchanged base first): chr10-88943840-TC-T. GRCh37 (hg19) VCF-style: chr10-90703597-TC-T.
Other names: c.324delG, p.Glu109Argfs (NM_001141945.3, NM_001320855.2, NM_001406462.1 and 3 more transcripts); c.195delG, p.Glu66Argfs (NM_001406467.1, NM_001406468.1, NM_001406469.1); short protein forms E109fs.
Identifiers: ClinVar variation 1676569 (VCV001676569.7), dbSNP rs2133261333, ClinGen allele CA2573145867.
Genomic context (GRCh38, chr10:88,943,840, plus strand): 5'-TGGGGTAGCATACTTACTTGAGTCATTTTCTCCCGGTTGGCCTTGGGGTTCAGGGGTGCC[TC>T]CGTGAGCAGGGTGGGATGCTCTTCAGGGGCAACACGAAGCTCATTGTAGAAAGAGTGGTG-3'

ClinVar aggregate classification (germline): Conflicting classifications of pathogenicity. Review status: criteria provided, conflicting classifications (1 of 4 stars). 2 submissions from 2 submitters: Likely pathogenic (1); Uncertain significance (1). Last evaluated 2024-04-30.

Conditions:
Aortic aneurysm, familial thoracic 6 (AAT6). Also called: FAMILIAL THORACIC AORTIC ANEURYSM WITH LIVEDO RETICULARIS AND IRIS FLOCCULI. Identifiers: MedGen C2673186, MONDO:0012730, OMIM 611788.

Submissions (2):

Labcorp Genetics (formerly Invitae), Labcorp
Classification: Uncertain significance for Aortic aneurysm, familial thoracic 6. Last evaluated: 2024-04-30. Review status: criteria provided, single submitter. Criteria: Invitae Variant Classification Sherloc (09022015). Collection method: clinical testing. Allele origin: germline.
Comment: This sequence change creates a premature translational stop signal (p.Glu109Argfs*4) in the ACTA2 gene. It is expected to result in an absent or disrupted protein product. However, the current clinical and genetic evidence is not sufficient to establish whether loss-of-function variants in ACTA2 cause disease. This variant is not present in population databases (gnomAD no frequency). This variant has not been reported in the literature in individuals affected with ACTA2-related conditions. ClinVar contains an entry for this variant (Variation ID: 1676569). In summary, the available evidence is currently insufficient to determine the role of this variant in disease. Therefore, it has been classified as a Variant of Uncertain Significance.

Greenwood Genetic Center Diagnostic Laboratories, Greenwood Genetic Center
Classification: Likely pathogenic for Aortic aneurysm, familial thoracic 6. Last evaluated: 2022-02-02. Review status: criteria provided, single submitter. Criteria: ACMG Guidelines, 2015. Collection method: clinical testing. Allele origin: germline.
Comment: PVS1, PM2